The following is an entry in ClinVar:

NM_017780.4(CHD7):c.2834T>C (p.Val945Ala)

Gene: CHD7 (chromodomain helicase DNA binding protein 7; plus strand). Cytogenetic location: 8q12.2.
Variant type: single nucleotide variant.
Coding change: c.2834T>C on transcript NM_017780.4 (MANE Select); coding-DNA position 2834, T replaced by C.
Protein change: p.Val945Ala; replaces valine 945 with alanine.
Molecular consequence: missense variant. On other transcripts: intron variant (1).
Genome position (GRCh38, 1-based): chr8:60,821,926, T>C. VCF-style: chr8-60821926-T-C. GRCh37 (hg19) VCF-style: chr8-61734485-T-C.
Other names: c.1717-40303T>C (NM_001316690.1); short protein forms V945A.
Identifiers: ClinVar variation 2090116 (VCV002090116.4), dbSNP rs2487805934, ClinGen allele CA371308045.

ClinVar aggregate classification (germline): Uncertain significance (1 of 4 stars; one submission).

Conditions:
CHARGE syndrome (CHARGE). Also called: Hittner Hirsch Kreh syndrome; CHARGE ASSOCIATION--COLOBOMA, HEART ANOMALY, CHOANAL ATRESIA, RETARDATION, GENITAL AND EAR ANOMALIES; Coloboma, heart anomaly, choanal atresia, retardation, genital and ear anomalies; CHARGE association; Hall-Hittner syndrome. Identifiers: Orphanet 138, MedGen C0265354, MONDO:0008965.

Submission:

Labcorp Genetics (formerly Invitae), Labcorp
Classification: Uncertain significance for CHARGE syndrome. Last evaluated: 2025-01-06. Review status: criteria provided, single submitter. Criteria: Invitae Variant Classification Sherloc (09022015). Collection method: clinical testing. Allele origin: germline.
Comment: This sequence change replaces valine, which is neutral and non-polar, with alanine, which is neutral and non-polar, at codon 945 of the CHD7 protein (p.Val945Ala). This variant is not present in population databases (gnomAD no frequency). This variant has not been reported in the literature in individuals affected with CHD7-related conditions. ClinVar contains an entry for this variant (Variation ID: 2090116). An algorithm developed to predict the effect of missense changes on protein structure and function (PolyPhen-2) suggests that this variant is likely to be disruptive. In summary, the available evidence is currently insufficient to determine the role of this variant in disease. Therefore, it has been classified as a Variant of Uncertain Significance.